The following is an entry in ClinVar:

NM_032444.4(SLX4):c.4918G>C (p.Gly1640Arg)

Gene: SLX4 (SLX4 structure-specific endonuclease subunit; minus strand). Cytogenetic location: 16p13.3.
Variant type: single nucleotide variant.
Coding change: c.4918G>C on transcript NM_032444.4 (MANE Select); coding-DNA position 4918, G replaced by C.
Protein change: p.Gly1640Arg; replaces glycine 1640 with arginine.
Molecular consequence: missense variant.
Genome position (GRCh38, 1-based): chr16:3,583,332, C>G on the plus strand (G>C on the coding strand, the complement: SLX4 is on the minus strand). VCF-style: chr16-3583332-C-G. GRCh37 (hg19) VCF-style: chr16-3633333-C-G.
Other names: c.4918G>C (LRG_503t1); short protein forms G1640R.
Identifiers: ClinVar variation 319147 (VCV000319147.13), dbSNP rs368102037, ClinGen allele CA7865465.

ClinVar aggregate classification (germline): Uncertain significance. Review status: criteria provided, multiple submitters, no conflicts (2 of 4 stars). 3 submissions from 3 submitters: Uncertain significance (3). Last evaluated 2025-12-15.

Conditions:
Fanconi anemia complementation group P. Also called: SLX4-Related Fanconi Anemia. Identifiers: Orphanet 84, MedGen C3469542, MONDO:0013499, OMIM 613951.
Fanconi anemia (FA). Also called: Fanconi's anemia. Identifiers: Orphanet 84, MedGen C0015625, MeSH D005199, MONDO:0019391.

Allele frequency attached by ClinVar (database versions not stated): gnomAD exomes below 0.00001; ExAC 0.00001; ESP Exome Variant Server 0.00008.
gnomAD v4.1: 2 of 1,613,972 alleles (0.00012%); no homozygotes.

Submissions (3):

Labcorp Genetics (formerly Invitae), Labcorp
Classification: Uncertain significance for Fanconi anemia. Last evaluated: 2025-12-15. Review status: criteria provided, single submitter. Criteria: Invitae Variant Classification Sherloc (09022015). Collection method: clinical testing. Allele origin: germline.
Comment: This sequence change replaces glycine, which is neutral and non-polar, with arginine, which is basic and polar, at codon 1640 of the SLX4 protein (p.Gly1640Arg). This variant is present in population databases (rs368102037, gnomAD 0.007%). This variant has not been reported in the literature in individuals affected with SLX4-related conditions. ClinVar contains an entry for this variant (Variation ID: 319147). An algorithm developed to predict the effect of missense changes on protein structure and function (PolyPhen-2) suggests that this variant is likely to be tolerated. In summary, the available evidence is currently insufficient to determine the role of this variant in disease. Therefore, it has been classified as a Variant of Uncertain Significance.

Fulgent Genetics
Classification: Uncertain significance for Fanconi anemia complementation group P. Last evaluated: 2024-01-07. Review status: criteria provided, single submitter. Criteria: ACMG Guidelines, 2015. Collection method: clinical testing. Allele origin: germline.

Illumina Laboratory Services, Illumina
Classification: Uncertain significance for Fanconi anemia complementation group P. Last evaluated: 2018-01-12. Review status: criteria provided, single submitter. Criteria: ICSL Variant Classification Criteria 13 December 2019. Collection method: clinical testing. Allele origin: germline.